The following is an entry in ClinVar:

ClinVar aggregate classification (germline): Pathogenic (1 of 4 stars; one submission).

Conditions:
Familial cancer of breast. Also called: hereditary breast carcinoma; BREAST CANCER, FAMILIAL; Hereditary breast cancer. Identifiers: Orphanet 227535, MedGen C0346153, MONDO:0016419, OMIM 114480. Disease mechanism: loss of function.

Submission:

Labcorp Genetics (formerly Invitae), Labcorp
Classification: Pathogenic for Familial cancer of breast. Last evaluated: 2025-10-27. Review status: criteria provided, single submitter. Criteria: Invitae Variant Classification Sherloc (09022015). Collection method: clinical testing. Allele origin: germline.
Comment: This sequence change creates a premature translational stop signal (p.His345Tyrfs*5) in the CHEK2 gene. It is expected to result in an absent or disrupted protein product. Loss-of-function variants in CHEK2 are known to be pathogenic (PMID: 21876083, 24713400). This variant is not present in population databases (gnomAD no frequency). This variant has not been reported in the literature in individuals affected with CHEK2-related conditions. Algorithms developed to predict the effect of sequence changes on RNA splicing suggest that this variant may disrupt the consensus splice site. For these reasons, this variant has been classified as Pathogenic.

Literature cited by the submitters: PubMed 21876083; PubMed 24713400.

NM_007194.4(CHEK2):c.1031_1032dup (p.His345fs)

Gene: CHEK2 (checkpoint kinase 2; minus strand). Cytogenetic location: 22q12.1.
Variant type: Microsatellite.
Coding change: c.1031_1032dup on transcript NM_007194.4 (MANE Select); coding-DNA positions 1031 to 1032, 2 bases duplicated (TA; older notation c.1031_1032dupTA).
Protein change: p.His345fs; shifts the reading frame from histidine 345.
Molecular consequence: frameshift variant. On other transcripts: intron variant (3).
Genome position (GRCh38, 1-based): chr22:28,696,964-28,696,965, TA duplicated on the plus strand (TA on the coding strand, the reverse complement: CHEK2 is on the minus strand); duplicating any 2 consecutive bases within chr22:28,696,964-28,696,967 gives the same sequence; the c. name uses the placement nearest the transcript's 3' end. VCF-style (leftmost placement, unchanged base first): chr22-28696963-G-GTA. GRCh37 (hg19) VCF-style: chr22-29092951-G-GTA.
Other names: c.1160_1161dup, p.His388fs (NM_001005735.3); c.368_369dup, p.His124fs (NM_001257387.3, NM_001437942.1); c.830_831dup, p.His278fs (NM_001349956.3); c.1124_1125dup, p.His376fs (NM_001438293.1); c.1009-1094TA[3] (NM_145862.3); c.1102-1094TA[3] (NM_001438295.1); c.1138-1094TA[3] (NM_001438294.1); short protein forms H376fs, H388fs, H124fs, H278fs, H345fs.
Identifiers: ClinVar variation 4723326 (VCV004723326.1).
Genomic context (GRCh38, chr22:28,696,963, plus strand): 5'-TTATAAGACAGTCCTCTTCTTGAGATGACAGTAAAACATTCTCTGGCTTTAAGTCACGGT[G>GTA]TATAATACCGTTTTCATGAAGGTACTACACAGAAAGGCAGGCATGACCCTCAGATTCATG-3'